The following is an entry in ClinVar:

ClinVar aggregate classification (germline): Uncertain significance (1 of 4 stars; one submission).

Conditions:
Bardet-Biedl syndrome (BBS). Identifiers: Orphanet 110, MedGen C0752166, MONDO:0015229.

Submission:

Labcorp Genetics (formerly Invitae), Labcorp
Classification: Uncertain significance for Bardet-Biedl syndrome. Last evaluated: 2021-12-17. Review status: criteria provided, single submitter. Criteria: Invitae Variant Classification Sherloc (09022015). Collection method: clinical testing. Allele origin: germline.
Comment: This sequence change replaces histidine, which is basic and polar, with leucine, which is neutral and non-polar, at codon 453 of the TTC8 protein (p.His453Leu). This variant is not present in population databases (gnomAD no frequency). This variant has not been reported in the literature in individuals affected with TTC8-related conditions. Algorithms developed to predict the effect of missense changes on protein structure and function are either unavailable or do not agree on the potential impact of this missense change (SIFT: "Deleterious"; PolyPhen-2: "Benign"; Align-GVGD: "Class C0"). In summary, the available evidence is currently insufficient to determine the role of this variant in disease. Therefore, it has been classified as a Variant of Uncertain Significance.

NM_144596.4(TTC8):c.1388A>T (p.His463Leu)

Gene: TTC8 (tetratricopeptide repeat domain 8; plus strand). Cytogenetic location: 14q31.3.
Variant type: single nucleotide variant.
Coding change: c.1388A>T on transcript NM_144596.4 (MANE Select); coding-DNA position 1388, A replaced by T.
Protein change: p.His463Leu; replaces histidine 463 with leucine.
Molecular consequence: missense variant. On other transcripts: non-coding transcript variant (1), intron variant (2).
Genome position (GRCh38, 1-based): chr14:88,875,066, A>T. VCF-style: chr14-88875066-A-T. GRCh37 (hg19) VCF-style: chr14-89341410-A-T.
Other names: c.1436A>T, p.His479Leu (NM_001288781.1); c.794A>T, p.His265Leu (NM_001288782.1); c.671A>T, p.His224Leu (NM_001288783.1); c.1358A>T, p.His453Leu (NM_198309.3); c.1268A>T, p.His423Leu (NM_198310.3); c.1318-2228A>T (NM_001366535.2); c.1228-2228A>T (NM_001366536.2); short protein forms H423L, H463L, H224L, H453L, H479L, H265L.
Identifiers: ClinVar variation 1351474 (VCV001351474.6), dbSNP rs2141044398, ClinGen allele CA390554062.